The following is an entry in ClinVar:

NM_021224.6(ZNF462):c.4104C>T (p.Thr1368=)

Gene: ZNF462 (zinc finger protein 462; plus strand). Cytogenetic location: 9q31.2.
Variant type: single nucleotide variant.
Coding change: c.4104C>T on transcript NM_021224.6 (MANE Select); coding-DNA position 4104, C replaced by T.
Protein change: p.Thr1368=; no amino-acid change (threonine 1368 retained).
Molecular consequence: synonymous variant. On other transcripts: intron variant (1).
Genome position (GRCh38, 1-based): chr9:106,928,016, C>T. VCF-style: chr9-106928016-C-T. GRCh37 (hg19) VCF-style: chr9-109690297-C-T.
Other names: c.3252+852C>T (NM_001347997.2).
Identifiers: ClinVar variation 4873419 (VCV004873419.2).

ClinVar aggregate classification (germline): Likely benign (1 of 4 stars; one submission).

gnomAD v4.1: 75 of 1,614,100 alleles (0.0046%); highest among the groups gnomAD compares: African/African-American, 0.095%; no homozygotes.

Submission:

CeGaT Center for Human Genetics Tuebingen
Classification: Likely benign. Last evaluated: 2026-06-01. Review status: criteria provided, single submitter. Criteria: CeGaT Center For Human Genetics Tuebingen Variant Classification Criteria Version 2. Collection method: clinical testing. Allele origin: germline. Affected: yes. Observed: 1 variant allele.
Comment: ZNF462: BP4, BP7